The following is an entry in ClinVar:

ClinVar aggregate classification (germline): Uncertain significance (1 of 4 stars; one submission).

Conditions:
Pyridoxine-dependent epilepsy (EPEO4). Also called: Pyridoxine-Dependent Epilepsy - ALDH7A1; EPILEPSY, EARLY-ONSET, 4, VITAMIN B6-DEPENDENT; PYRIDOXINE DEPENDENCY WITH SEIZURES; Pyridoxine-Dependent Seizures. Identifiers: Orphanet 3006, MedGen C1849508, MONDO:0009945, OMIM 266100. Disease mechanism: loss of function.

Allele frequency attached by ClinVar (database versions not stated): gnomAD exomes below 0.00001; TOPMed 0.00003; gnomAD 0.00003.

Submission:

Labcorp Genetics (formerly Invitae), Labcorp
Classification: Uncertain significance for Pyridoxine-dependent epilepsy. Last evaluated: 2022-10-17. Review status: criteria provided, single submitter. Criteria: Invitae Variant Classification Sherloc (09022015). Collection method: clinical testing. Allele origin: germline.
Comment: This sequence change replaces alanine, which is neutral and non-polar, with threonine, which is neutral and polar, at codon 318 of the ALDH7A1 protein (p.Ala318Thr). This variant is present in population databases (no rsID available, gnomAD 0.02%). This variant has not been reported in the literature in individuals affected with ALDH7A1-related conditions. ClinVar contains an entry for this variant (Variation ID: 569681). Algorithms developed to predict the effect of missense changes on protein structure and function output the following: SIFT: "Tolerated"; PolyPhen-2: "Benign"; Align-GVGD: "Class C0". The threonine amino acid residue is found in multiple mammalian species, which suggests that this missense change does not adversely affect protein function. In summary, the available evidence is currently insufficient to determine the role of this variant in disease. Therefore, it has been classified as a Variant of Uncertain Significance.

NM_001182.5(ALDH7A1):c.952G>A (p.Ala318Thr)

Gene: ALDH7A1 (aldehyde dehydrogenase 7 family member A1; minus strand). Cytogenetic location: 5q23.2.
Variant type: single nucleotide variant.
Coding change: c.952G>A on transcript NM_001182.5 (MANE Select); coding-DNA position 952, G replaced by A.
Protein change: p.Ala318Thr; replaces alanine 318 with threonine.
Molecular consequence: missense variant.
Genome position (GRCh38, 1-based): chr5:126,559,296, C>T on the plus strand (G>A on the coding strand, the complement: ALDH7A1 is on the minus strand). VCF-style: chr5-126559296-C-T. GRCh37 (hg19) VCF-style: chr5-125894988-C-T.
Other names: c.868G>A, p.Ala290Thr (NM_001201377.2); c.952G>A, p.Ala318Thr (NM_001202404.2); short protein forms A318T, A290T.
Identifiers: ClinVar variation 569681 (VCV000569681.6), dbSNP rs936151635, ClinGen allele CA126889884.
Genomic context (GRCh38, chr5:126,559,296, plus strand): 5'-TCACCAGTCGCCTCGCAGTGGTACACCTCTGGCCAGCTGTTCCCACAGCAGCGAAGAGAG[C>T]TGATGGAACAACTAAGCTGAGGTCTGCATCTTCAAAGGCTTAGGAAAGCACAAACACTTC-3'
Protein context (NP_001173.2, residues 308-328): DADLSLVVPS[Ala318Thr]LFAAVGTAGQ